The following is an entry in ClinVar:

ClinVar aggregate classification (germline): Conflicting classifications of pathogenicity. Review status: criteria provided, conflicting classifications (1 of 4 stars). 7 submissions from 7 submitters: Uncertain significance (2); Likely benign (4). 1 of the submissions does not count toward it. Last evaluated 2026-02-06.

Conditions:
SLC22A5-related disorder. Also called: SLC22A5-related condition.
Decreased circulating carnitine concentration. Also called: Decreased plasma carnitine. Identifiers: MedGen C5848230, HP:0003234.
Renal carnitine transport defect (CDSP). Also called: CARNITINE DEFICIENCY, SYSTEMIC, DUE TO DEFECT IN RENAL REABSORPTION OF CARNITINE; CARNITINE TRANSPORTER, PLASMA-MEMBRANE, DEFICIENCY OF; CARNITINE UPTAKE DEFECT; Systemic primary carnitine deficiency; Primary carnitine deficiency; Carnitine transporter deficiency. Identifiers: Orphanet 158, MedGen C0342788, MONDO:0008919, OMIM 212140.

Allele frequency attached by ClinVar (database versions not stated): gnomAD exomes 0.00006 and 0.00015; 1000 Genomes Project 30x 0.00016; ExAC 0.00016; 1000 Genomes Project 0.00020; ESP Exome Variant Server 0.00054; gnomAD 0.00054 and 0.00056; TOPMed 0.00054.

Submissions (7):

PreventionGenetics, part of Exact Sciences
Classification: Likely benign for SLC22A5-related condition. Last evaluated: 2026-02-06. Review status: criteria provided, single submitter. Criteria: ACMG Guidelines, 2015. Collection method: clinical testing. Allele origin: germline.
Comment: This variant is classified as likely benign based on ACMG/AMP sequence variant interpretation guidelines (Richards et al. 2015 PMID: 25741868, with internal and published modifications).

Labcorp Genetics (formerly Invitae), Labcorp
Classification: Likely benign for Renal carnitine transport defect. Last evaluated: 2026-01-26. Review status: criteria provided, single submitter. Criteria: Invitae Variant Classification Sherloc (09022015). Collection method: clinical testing. Allele origin: germline.

Mayo Clinic Laboratories, Mayo Clinic
Classification: Likely benign. Last evaluated: 2025-05-12. Review status: criteria provided, single submitter. Criteria: ACMG Guidelines, 2015. Collection method: clinical testing. Allele origin: germline. Observed: 4 variant alleles.
Comment: BP4_moderate, BP5

Giacomini Lab, University of California, San Francisco
Classification: Likely benign for Renal carnitine transport defect. Last evaluated: 2022-10-03. Review status: criteria provided, single submitter. Criteria: ACMG Guidelines, 2015. Collection method: research, in vitro. Allele origin: germline, not applicable.

Genome-Nilou Lab
Classification: Uncertain significance for Renal carnitine transport defect. Last evaluated: 2021-07-15. Review status: criteria provided, single submitter. Criteria: ACMG Guidelines, 2015. Collection method: clinical testing. Allele origin: germline. Affected: no.

GeneDx
Classification: Uncertain significance. Last evaluated: 2020-05-07. Review status: criteria provided, single submitter. Criteria: GeneDx Variant Classification Process June 2021. Collection method: clinical testing. Allele origin: germline. Affected: yes.
Comment: In silico analysis supports that this missense variant does not alter protein structure/function; Has not been previously published as pathogenic or benign to our knowledge

Natera, Inc.
Classification: Uncertain significance for Carnitine deficiency. Last evaluated: 2019-11-11. Review status: no assertion criteria provided. Collection method: clinical testing. Allele origin: germline. Not counted in ClinVar's aggregate classification.

NM_003060.4(SLC22A5):c.1142T>C (p.Met381Thr)

Gene: SLC22A5 (solute carrier family 22 member 5; plus strand). Cytogenetic location: 5q31.1.
Variant type: single nucleotide variant.
Coding change: c.1142T>C on transcript NM_003060.4 (MANE Select); coding-DNA position 1142, T replaced by C.
Protein change: p.Met381Thr; replaces methionine 381 with threonine.
Molecular consequence: missense variant.
Genome position (GRCh38, 1-based): chr5:132,390,779, T>C. VCF-style: chr5-132390779-T-C. GRCh37 (hg19) VCF-style: chr5-131726471-T-C.
Other names: c.1214T>C, p.Met405Thr (NM_001308122.2); short protein forms M381T, M405T.
Identifiers: ClinVar variation 460391 (VCV000460391.27), dbSNP rs149730454, ClinGen allele CA3404091.
Genomic context (GRCh38, chr5:132,390,779, plus strand): 5'-TTTCGCTTGATACTCCTAACTTGCATGGGGACATCTTTGTGAACTGCTTCCTTTCAGCGA[T>C]GGTTGAAGTCCCAGCATATGTGTTGGCCTGGCTGCTGCTGCAATATTTGCCCCGGCGCTA-3'
Protein context (NP_003051.1, residues 371-391): DIFVNCFLSA[Met381Thr]VEVPAYVLAW